The following is an entry in ClinVar:

ClinVar aggregate classification (germline): Uncertain significance. Review status: criteria provided, multiple submitters, no conflicts (2 of 4 stars). 2 submissions from 2 submitters: Uncertain significance (2). Last evaluated 2025-11-03.

Conditions:
Shprintzen-Goldberg syndrome (SGS). Also called: SHPRINTZEN-GOLDBERG CRANIOSYNOSTOSIS SYNDROME; CRANIOSYNOSTOSIS WITH ARACHNODACTYLY AND ABDOMINAL HERNIAS; Marfanoid disorder with craniosynostosis type 1; Marfanoid craniosynostosis syndrome; Shprintzen-Goldberg marfanoid syndrome. Identifiers: Orphanet 2462, MedGen C1321551, MONDO:0008426, OMIM 182212.
Familial thoracic aortic aneurysm and aortic dissection (TAAD). Also called: Thoracic aortic aneurysms and dissections. Identifiers: Orphanet 91387, MedGen C4707243, MONDO:0019625.

Allele frequency attached by ClinVar (database versions not stated): gnomAD exomes 0.00003 and 0.00001; TOPMed 0.00001.
gnomAD v4.1: 40 of 1,545,124 alleles (0.0026%); highest among the groups gnomAD compares: Non-Finnish European, 0.0035%; no homozygotes.

Submissions (2):

Labcorp Genetics (formerly Invitae), Labcorp
Classification: Uncertain significance for Shprintzen-Goldberg syndrome. Last evaluated: 2025-11-03. Review status: criteria provided, single submitter. Criteria: Invitae Variant Classification Sherloc (09022015). Collection method: clinical testing. Allele origin: germline.
Comment: This sequence change replaces arginine, which is basic and polar, with glutamine, which is neutral and polar, at codon 695 of the SKI protein (p.Arg695Gln). The frequency data for this variant in the population databases is considered unreliable, as metrics indicate poor data quality at this position in the gnomAD database. This variant has not been reported in the literature in individuals affected with SKI-related conditions. ClinVar contains an entry for this variant (Variation ID: 1367395). Invitae Evidence Modeling of protein sequence and biophysical properties (such as structural, functional, and spatial information, amino acid conservation, physicochemical variation, residue mobility, and thermodynamic stability) has been performed for this missense variant. However, the output from this modeling did not meet the statistical confidence thresholds required to predict the impact of this variant on SKI protein function. In summary, the available evidence is currently insufficient to determine the role of this variant in disease. Therefore, it has been classified as a Variant of Uncertain Significance.

Ambry Genetics
Classification: Uncertain significance for Familial thoracic aortic aneurysm and aortic dissection. Last evaluated: 2024-10-08. Review status: criteria provided, single submitter. Criteria: Ambry Variant Classification Scheme 2023. Collection method: clinical testing. Allele origin: germline.
Comment: The p.R695Q variant (also known as c.2084G>A), located in coding exon 7 of the SKI gene, results from a G to A substitution at nucleotide position 2084. The arginine at codon 695 is replaced by glutamine, an amino acid with highly similar properties. This amino acid position is conserved. In addition, this alteration is predicted to be deleterious by in silico analysis. Since supporting evidence is limited at this time, the clinical significance of this alteration remains unclear.

NM_003036.4(SKI):c.2084G>A (p.Arg695Gln)

Gene: SKI (SKI proto-oncogene; plus strand). Cytogenetic location: 1p36.32.
Variant type: single nucleotide variant.
Coding change: c.2084G>A on transcript NM_003036.4 (MANE Select); coding-DNA position 2084, G replaced by A.
Protein change: p.Arg695Gln; replaces arginine 695 with glutamine.
Molecular consequence: missense variant.
Genome position (GRCh38, 1-based): chr1:2,306,662, G>A. VCF-style: chr1-2306662-G-A. GRCh37 (hg19) VCF-style: chr1-2238101-G-A.
Other names: short protein forms R695Q.
Identifiers: ClinVar variation 1367395 (VCV001367395.9), dbSNP rs1038419071, ClinGen allele CA16898487.